The following is an entry in ClinVar:

NM_001267550.2(TTN):c.71620C>T (p.Gln23874Ter)

Genes: TTN (titin; minus strand), TTN-AS1 (TTN antisense RNA 1; plus strand). Cytogenetic location: 2q31.2.
Variant type: single nucleotide variant.
Coding change: c.71620C>T on transcript NM_001267550.2 (MANE Select); coding-DNA position 71620, C replaced by T.
Protein change: p.Gln23874Ter; replaces glutamine 23874 with a stop codon.
Molecular consequence: nonsense.
Genome position (GRCh38, 1-based): chr2:178,574,512, G>A on the plus strand (C>T on the coding strand, the complement: TTN is on the minus strand). VCF-style: chr2-178574512-G-A. GRCh37 (hg19) VCF-style: chr2-179439239-G-A.
Other names: c.66697C>T, p.Gln22233Ter (NM_001256850.1); c.44425C>T, p.Gln14809Ter (NM_003319.4); c.63916C>T, p.Gln21306Ter (NM_133378.4); c.44800C>T, p.Gln14934Ter (NM_133432.3); c.45001C>T, p.Gln15001Ter (NM_133437.4); short protein forms Q14809*, Q14934*, Q15001*, Q21306*, Q22233*, Q23874*.
Identifiers: ClinVar variation 3895274 (VCV003895274.1).

ClinVar aggregate classification (germline): Likely pathogenic (1 of 4 stars; one submission).

Conditions:
Cardiovascular phenotype. Identifiers: MedGen CN230736.

Submission:

Molecular Diagnostic Laboratory for Inherited Cardiovascular Disease, Montreal Heart Institute
Classification: Likely pathogenic for Cardiovascular phenotype. Last evaluated: 2024-04-05. Review status: criteria provided, single submitter. Criteria: ACMG Guidelines, 2015. Collection method: clinical testing. Allele origin: germline. Affected: yes.
Comment: PVS1, PM2